The following is an entry in ClinVar:

ClinVar aggregate classification (germline): Pathogenic (1 of 4 stars; one submission).

Conditions:
Alstrom syndrome (ALMS). Identifiers: Orphanet 64, MedGen C0268425, MONDO:0008763, OMIM 203800.

Submission:

Labcorp Genetics (formerly Invitae), Labcorp
Classification: Pathogenic for Alstrom syndrome. Last evaluated: 2022-02-05. Review status: criteria provided, single submitter. Criteria: Invitae Variant Classification Sherloc (09022015). Collection method: clinical testing. Allele origin: germline.
Comment: This sequence change creates a premature translational stop signal (p.Lys2559*) in the ALMS1 gene. It is expected to result in an absent or disrupted protein product. Loss-of-function variants in ALMS1 are known to be pathogenic (PMID: 17594715). For these reasons, this variant has been classified as Pathogenic. This variant has not been reported in the literature in individuals affected with ALMS1-related conditions. This variant is not present in population databases (gnomAD no frequency).

Literature cited by the submitters: PubMed 17594715.

NM_001378454.1(ALMS1):c.7672A>T (p.Lys2558Ter)

Gene: ALMS1 (ALMS1 centrosome and basal body associated protein; plus strand). Cytogenetic location: 2p13.1.
Variant type: single nucleotide variant.
Coding change: c.7672A>T on transcript NM_001378454.1 (MANE Select); coding-DNA position 7672, A replaced by T.
Protein change: p.Lys2558Ter; replaces lysine 2558 with a stop codon.
Molecular consequence: nonsense.
Genome position (GRCh38, 1-based): chr2:73,455,293, A>T. VCF-style: chr2-73455293-A-T. GRCh37 (hg19) VCF-style: chr2-73682420-A-T.
Other names: c.7675A>T, p.Lys2559Ter (NM_015120.4); short protein forms K2558*, K2559*.
Identifiers: ClinVar variation 1432328 (VCV001432328.6), dbSNP rs1200012970, ClinGen allele CA347293214.